The following is an entry in ClinVar:

ClinVar aggregate classification (germline): Uncertain significance (1 of 4 stars; one submission).

Conditions:
Cardiovascular phenotype. Identifiers: MedGen CN230736.

gnomAD v4.1: 6 of 1,614,158 alleles (0.00037%); highest among the groups gnomAD compares: South Asian, 0.0066%; no homozygotes.

Submission:

Ambry Genetics
Classification: Uncertain significance for Cardiovascular phenotype. Last evaluated: 2024-04-20. Review status: criteria provided, single submitter. Criteria: Ambry Variant Classification Scheme 2023. Collection method: clinical testing. Allele origin: germline.
Comment: The p.Q1782R variant (also known as c.5345A>G), located in coding exon 26 of the APOB gene, results from an A to G substitution at nucleotide position 5345. The glutamine at codon 1782 is replaced by arginine, an amino acid with highly similar properties. This amino acid position is conserved. In addition, this alteration is predicted to be tolerated by in silico analysis. Based on the available evidence, the clinical significance of this variant remains unclear.

NM_000384.3(APOB):c.5345A>G (p.Gln1782Arg)

Gene: APOB (apolipoprotein B; minus strand). Cytogenetic location: 2p24.1.
Variant type: single nucleotide variant.
Coding change: c.5345A>G on transcript NM_000384.3 (MANE Select); coding-DNA position 5345, A replaced by G.
Protein change: p.Gln1782Arg; replaces glutamine 1782 with arginine.
Molecular consequence: missense variant.
Genome position (GRCh38, 1-based): chr2:21,011,523, T>C on the plus strand (A>G on the coding strand, the complement: APOB is on the minus strand). VCF-style: chr2-21011523-T-C. GRCh37 (hg19) VCF-style: chr2-21234395-T-C.
Other names: short protein forms Q1782R.
Identifiers: ClinVar variation 3307760 (VCV003307760.1).